The following is an entry in ClinVar:

NM_020361.5(CPA6):c.116+5G>C

Gene: CPA6 (carboxypeptidase A6; minus strand). Cytogenetic location: 8q13.2.
Variant type: single nucleotide variant.
Coding change: c.116+5G>C on transcript NM_020361.5 (MANE Select); 5 bases into the intron after coding-DNA position 116, G replaced by C.
Molecular consequence: intron variant.
Genome position (GRCh38, 1-based): chr8:67,746,009, C>G on the plus strand (G>C on the coding strand, the complement: CPA6 is on the minus strand). VCF-style: chr8-67746009-C-G. GRCh37 (hg19) VCF-style: chr8-68658244-C-G.
Identifiers: ClinVar variation 472760 (VCV000472760.6), dbSNP rs1281394588, ClinGen allele CA658657778.

ClinVar aggregate classification (germline): Uncertain significance (1 of 4 stars; one submission).

Conditions:
Febrile seizures, familial, 11 (FEB11). Also called: CONVULSIONS, FAMILIAL FEBRILE, 11. Identifiers: MedGen C3280734, MONDO:0024566, OMIM 614418.

Submission:

Labcorp Genetics (formerly Invitae), Labcorp
Classification: Uncertain significance for Febrile seizures, familial, 11. Last evaluated: 2017-03-21. Review status: criteria provided, single submitter. Criteria: Invitae Variant Classification Sherloc (09022015). Collection method: clinical testing. Allele origin: germline.
Comment: This sequence change falls in intron 1 of the CPA6 gene. It does not directly change the encoded amino acid sequence of the CPA6 protein, but it affects a nucleotide within the consensus splice site of the intron. This variant is not present in population databases (ExAC no frequency) and has not been reported in the literature in individuals with a CPA6-related disease. Nucleotide substitutions within the consensus splice site are relatively common causes of aberrant splicing (PMID: 17576681, 9536098). Algorithms developed to predict the effect of nucleotide changes on RNA splicing suggest that this variant may alter RNA splicing, but this prediction has not been confirmed by published transcriptional studies. In summary, this is a novel intronic change with uncertain impact on splicing. It has been classified as a Variant of Uncertain Significance.

Literature cited by the submitters: PubMed 17576681; PubMed 9536098.